The following is an entry in ClinVar:

NM_032119.4(ADGRV1):c.11939A>G (p.Gln3980Arg)

Gene: ADGRV1 (adhesion G protein-coupled receptor V1; plus strand). Cytogenetic location: 5q14.3.
Variant type: single nucleotide variant.
Coding change: c.11939A>G on transcript NM_032119.4 (MANE Select); coding-DNA position 11939, A replaced by G.
Protein change: p.Gln3980Arg; replaces glutamine 3980 with arginine.
Molecular consequence: missense variant. On other transcripts: non-coding transcript variant (1).
Genome position (GRCh38, 1-based): chr5:90,757,160, A>G. VCF-style: chr5-90757160-A-G. GRCh37 (hg19) VCF-style: chr5-90052977-A-G.
Other names: short protein forms Q3980R.
Identifiers: ClinVar variation 937168 (VCV000937168.7), dbSNP rs751440264, ClinGen allele CA3341080.

ClinVar aggregate classification (germline): Uncertain significance (1 of 4 stars; one submission).

Allele frequency attached by ClinVar (database versions not stated): ExAC 0.00002; gnomAD exomes 0.00001.
gnomAD v4.1: 3 of 1,613,296 alleles (0.00019%); highest among the groups gnomAD compares: Admixed American, 0.005%; no homozygotes.

Submission:

Labcorp Genetics (formerly Invitae), Labcorp
Classification: Uncertain significance. Last evaluated: 2022-03-10. Review status: criteria provided, single submitter. Criteria: Invitae Variant Classification Sherloc (09022015). Collection method: clinical testing. Allele origin: germline.
Comment: This sequence change replaces glutamine, which is neutral and polar, with arginine, which is basic and polar, at codon 3980 of the ADGRV1 protein (p.Gln3980Arg). This variant is present in population databases (rs751440264, gnomAD 0.003%). This variant has not been reported in the literature in individuals affected with ADGRV1-related conditions. ClinVar contains an entry for this variant (Variation ID: 937168). Algorithms developed to predict the effect of missense changes on protein structure and function are either unavailable or do not agree on the potential impact of this missense change (SIFT: "Deleterious"; PolyPhen-2: "Probably Damaging"; Align-GVGD: "Class C0"). Algorithms developed to predict the effect of sequence changes on RNA splicing suggest that this variant may disrupt the consensus splice site. In summary, the available evidence is currently insufficient to determine the role of this variant in disease. Therefore, it has been classified as a Variant of Uncertain Significance.